The following is an entry in ClinVar:

NM_000277.3(PAH):c.510-6T>G

Gene: PAH (phenylalanine hydroxylase; minus strand). Cytogenetic location: 12q23.2.
Variant type: single nucleotide variant.
Coding change: c.510-6T>G on transcript NM_000277.3 (MANE Select); 6 bases into the intron before coding-DNA position 510, T replaced by G.
Molecular consequence: intron variant.
Genome position (GRCh38, 1-based): chr12:102,855,338, A>C on the plus strand (T>G on the coding strand, the complement: PAH is on the minus strand). VCF-style: chr12-102855338-A-C. GRCh37 (hg19) VCF-style: chr12-103249116-A-C.
Other names: c.510-6T>G (NM_001354304.2).
Identifiers: ClinVar variation 102714 (VCV000102714.2), dbSNP rs62507281, ClinGen allele CA229596.

ClinVar aggregate classification (germline): Uncertain significance. Review status: reviewed by expert panel (3 of 4 stars). 2 submissions from 2 submitters: Uncertain significance (1). 1 of the submissions does not count toward it. Last evaluated 2020-09-12.

Conditions:
Phenylketonuria (PKU). Also called: Phenylketonuria (PKU); FOLLING DISEASE; OLIGOPHRENIA PHENYLPYRUVICA; Phenylketonurias. Identifiers: Orphanet 716, MedGen C0031485, MONDO:0009861, OMIM 261600. Disease mechanism: loss of function.

Submissions (2):

ClinGen PAH Variant Curation Expert Panel
Classification: Uncertain significance for Phenylketonuria. Last evaluated: 2020-09-12. Review status: reviewed by expert panel. Criteria: ClinGen PAH ACMG Specifications v1. Collection method: curation. Allele origin: germline. Inheritance: Autosomal recessive inheritance.
Comment: The c.510-6T>G variant in PAH is absent from population databases (PM2). It has been observed in at least one classic PKU patient (PMID: 23764561; PP4). The patient is compound heterozygous with pathogenic variant R408W (ClinVar 577; PM3_supporting). In summary, this variant meets criteria to be classified as uncertain significance for PAH. PAH-specific ACMG/AMP criteria applied: PM2, PM3_supporting, PP4.

DeBelle Laboratory for Biochemical Genetics, MUHC/MCH RESEARCH INSTITUTE
No classification provided. Review status: no classification provided. Collection method: not provided. Allele origin: not provided. Not counted in ClinVar's aggregate classification.